The following is an entry in ClinVar:

NM_001364905.1(LRBA):c.4403G>T (p.Gly1468Val)

Gene: LRBA (LPS responsive beige-like anchor protein; minus strand). Cytogenetic location: 4q31.3.
Variant type: single nucleotide variant.
Coding change: c.4403G>T on transcript NM_001364905.1 (MANE Select); coding-DNA position 4403, G replaced by T.
Protein change: p.Gly1468Val; replaces glycine 1468 with valine.
Molecular consequence: missense variant.
Genome position (GRCh38, 1-based): chr4:150,844,716, C>A on the plus strand (G>T on the coding strand, the complement: LRBA is on the minus strand). VCF-style: chr4-150844716-C-A. GRCh37 (hg19) VCF-style: chr4-151765868-C-A.
Other names: c.4403G>T, p.Gly1468Val (NM_001199282.3, NM_001367550.1, NM_006726.5); short protein forms G1468V.
Identifiers: ClinVar variation 2189485 (VCV002189485.4), dbSNP rs768911809, ClinGen allele CA3102801.
Genomic context (GRCh38, chr4:150,844,716, plus strand): 5'-ACCTTCGCTGCAGATTTCCCTAAAGGAATAAGGCTATGCATTGGTTTCAAGGCTTTATCT[C>A]CCCTAGTTTTCAGTTGTGAATGCTGTTGACACTCCAAGCAATTCCTTACTGCGACTGCAC-3'
Protein context (NP_001351834.1, residues 1458-1478): CQQHSQLKTR[Gly1468Val]DKALKPMHSL

ClinVar aggregate classification (germline): Uncertain significance (1 of 4 stars; one submission).

Conditions:
Combined immunodeficiency due to LRBA deficiency. Also called: Common variable immunodeficiency 8, with autoimmunity. Identifiers: Orphanet 445018, MedGen C3553512, MONDO:0013863, OMIM 614700.

Allele frequency attached by ClinVar (database versions not stated): gnomAD 0.00001; gnomAD exomes 0.00001; TOPMed 0.00001; ExAC 0.00002.
gnomAD v4.1: 16 of 1,612,926 alleles (0.00099%); highest among the groups gnomAD compares: Non-Finnish European, 0.0014%; no homozygotes.

Submission:

Labcorp Genetics (formerly Invitae), Labcorp
Classification: Uncertain significance for Combined immunodeficiency due to LRBA deficiency. Last evaluated: 2024-09-19. Review status: criteria provided, single submitter. Criteria: Invitae Variant Classification Sherloc (09022015). Collection method: clinical testing. Allele origin: germline.
Comment: This sequence change replaces glycine, which is neutral and non-polar, with valine, which is neutral and non-polar, at codon 1468 of the LRBA protein (p.Gly1468Val). This variant is present in population databases (rs768911809, gnomAD 0.002%). This variant has not been reported in the literature in individuals affected with LRBA-related conditions. ClinVar contains an entry for this variant (Variation ID: 2189485). Invitae Evidence Modeling of protein sequence and biophysical properties (such as structural, functional, and spatial information, amino acid conservation, physicochemical variation, residue mobility, and thermodynamic stability) indicates that this missense variant is not expected to disrupt LRBA protein function with a negative predictive value of 80%. In summary, the available evidence is currently insufficient to determine the role of this variant in disease. Therefore, it has been classified as a Variant of Uncertain Significance.